The following is an entry in ClinVar:

ClinVar aggregate classification (germline): Pathogenic (1 of 4 stars; one submission).

Conditions:
Hereditary pulmonary alveolar proteinosis. Also called: Pulmonary surfactant metabolism dysfunction. Identifiers: Orphanet 264675, MedGen C3711368, MONDO:0012580.

Submission:

Ambry Genetics
Classification: Pathogenic for Hereditary pulmonary alveolar proteinosis. Last evaluated: 2017-07-06. Review status: criteria provided, single submitter. Criteria: Ambry Variant Classification Scheme 2023. Collection method: clinical testing. Allele origin: germline.
Comment: The c.413_430del18insAGGTGATC pathogenic mutation, located in coding exon 4 of the SFTPC gene, results from the deletion of 18 nucleotides and insertion of 8 nucleotides causing a translational frameshift with a predicted alternate stop codon (p.T138Kfs*45). This alteration is expected to result in loss of function by premature protein truncation or nonsense-mediated mRNA decay. As such, this alteration is interpreted as a disease-causing mutation.

Literature cited by the submitters: PubMed 22308375.

NM_001317778.2(SFTPC):c.413_430delinsAGGTGATC (p.Thr138fs)

Gene: SFTPC (surfactant protein C; plus strand). Cytogenetic location: 8p21.3.
Variant type: Indel.
Coding change: c.413_430delinsAGGTGATC on transcript NM_001317778.2 (MANE Select); coding-DNA positions 413 to 430, CTAGAAAAGTCCACAACT replaced by AGGTGATC.
Protein change: p.Thr138fs; shifts the reading frame from threonine 138.
Molecular consequence: frameshift variant.
Genome position (GRCh38, 1-based): chr8:22,163,524-22,163,541, CTAGAAAAGTCCACAACT replaced by AGGTGATC. VCF-style: chr8-22163524-CTAGAAAAGTCCACAACT-AGGTGATC. GRCh37 (hg19) VCF-style: chr8-22021037-CTAGAAAAGTCCACAACT-AGGTGATC.
Other names: c.413_430delinsAGGTGATC, p.Thr138fs (NM_001172357.2, NM_001172410.2, NM_001317780.2 and 8 more transcripts); c.254_271delinsAGGTGATC, p.Thr85fs (NM_001317779.2, NM_001385660.1); short protein forms T85fs, T138fs.
Identifiers: ClinVar variation 1738082 (VCV001738082.2), dbSNP rs2538945800, ClinGen allele CA2580078066.